The following is an entry in ClinVar:

NM_001003800.2(BICD2):c.181T>C (p.Phe61Leu)

Gene: BICD2 (BICD cargo adaptor 2; minus strand). Cytogenetic location: 9q22.31.
Variant type: single nucleotide variant.
Coding change: c.181T>C on transcript NM_001003800.2 (MANE Select); coding-DNA position 181, T replaced by C.
Protein change: p.Phe61Leu; replaces phenylalanine 61 with leucine.
Molecular consequence: missense variant.
Genome position (GRCh38, 1-based): chr9:92,764,564, A>G on the plus strand (T>C on the coding strand, the complement: BICD2 is on the minus strand). VCF-style: chr9-92764564-A-G. GRCh37 (hg19) VCF-style: chr9-95526846-A-G.
Other names: c.181T>C, p.Phe61Leu (NM_015250.4); short protein forms F61L.
Identifiers: ClinVar variation 2193258 (VCV002193258.4), dbSNP rs1036413242, ClinGen allele CA196321476.

ClinVar aggregate classification (germline): Uncertain significance (1 of 4 stars; one submission).

Conditions:
Autosomal dominant childhood-onset proximal spinal muscular atrophy with contractures (SMALED2A). Also called: SPINAL MUSCULAR ATROPHY, LOWER EXTREMITY-PREDOMINANT, 2A, CHILDHOOD ONSET, AUTOSOMAL DOMINANT; Spinal muscular atrophy, lower extremity-predominant, 2A, autosomal dominant. Identifiers: Orphanet 363447, Orphanet 363454, MedGen C4747715, MONDO:0014121, OMIM 615290.

Allele frequency attached by ClinVar (database versions not stated): TOPMed below 0.00001; gnomAD 0.00001.
gnomAD v4.1: 1 of 1,557,898 alleles (0.000064%); highest among the groups gnomAD compares: African/African-American, 0.0014%; no homozygotes.

Submission:

Labcorp Genetics (formerly Invitae), Labcorp
Classification: Uncertain significance for Autosomal dominant childhood-onset proximal spinal muscular atrophy with contractures. Last evaluated: 2022-11-07. Review status: criteria provided, single submitter. Criteria: Invitae Variant Classification Sherloc (09022015). Collection method: clinical testing. Allele origin: germline.
Comment: In summary, the available evidence is currently insufficient to determine the role of this variant in disease. Therefore, it has been classified as a Variant of Uncertain Significance. Advanced modeling of protein sequence and biophysical properties (such as structural, functional, and spatial information, amino acid conservation, physicochemical variation, residue mobility, and thermodynamic stability) performed at Invitae indicates that this missense variant is not expected to disrupt BICD2 protein function. This variant has not been reported in the literature in individuals affected with BICD2-related conditions. This variant is not present in population databases (gnomAD no frequency). This sequence change replaces phenylalanine, which is neutral and non-polar, with leucine, which is neutral and non-polar, at codon 61 of the BICD2 protein (p.Phe61Leu).